The following is an entry in ClinVar:

ClinVar aggregate classification (germline): Uncertain significance (1 of 4 stars; one submission).

Conditions:
Neuronal ceroid lipofuscinosis. Also called: Neuronal Ceroid Lipofuscinoses. Identifiers: Orphanet 216, Orphanet 79263, MedGen C0027877, MONDO:0016295. Disease mechanism: loss of function.

Allele frequency attached by ClinVar (database versions not stated): gnomAD exomes below 0.00001.
gnomAD v4.1: 3 of 1,613,830 alleles (0.00019%); highest among the groups gnomAD compares: Admixed American, 0.0033%; no homozygotes.

Submission:

Labcorp Genetics (formerly Invitae), Labcorp
Classification: Uncertain significance for Neuronal ceroid lipofuscinosis. Last evaluated: 2022-09-13. Review status: criteria provided, single submitter. Criteria: Invitae Variant Classification Sherloc (09022015). Collection method: clinical testing. Allele origin: germline.
Comment: This sequence change replaces proline, which is neutral and non-polar, with leucine, which is neutral and non-polar, at codon 107 of the CLN3 protein (p.Pro107Leu). This variant is not present in population databases (gnomAD no frequency). This variant has not been reported in the literature in individuals affected with CLN3-related conditions. ClinVar contains an entry for this variant (Variation ID: 962496). Advanced modeling of protein sequence and biophysical properties (such as structural, functional, and spatial information, amino acid conservation, physicochemical variation, residue mobility, and thermodynamic stability) performed at Invitae indicates that this missense variant is expected to disrupt CLN3 protein function. In summary, the available evidence is currently insufficient to determine the role of this variant in disease. Therefore, it has been classified as a Variant of Uncertain Significance.

NM_001042432.2(CLN3):c.320C>T (p.Pro107Leu)

Gene: CLN3 (CLN3 lysosomal/endosomal transmembrane protein, battenin; minus strand). Cytogenetic location: 16p12.1.
Variant type: single nucleotide variant.
Coding change: c.320C>T on transcript NM_001042432.2 (MANE Select); coding-DNA position 320, C replaced by T.
Protein change: p.Pro107Leu; replaces proline 107 with leucine.
Molecular consequence: missense variant. On other transcripts: intron variant (1).
Genome position (GRCh38, 1-based): chr16:28,487,716, G>A on the plus strand (C>T on the coding strand, the complement: CLN3 is on the minus strand). VCF-style: chr16-28487716-G-A. GRCh37 (hg19) VCF-style: chr16-28499037-G-A.
Other names: c.320C>T, p.Pro107Leu (NM_000086.2); c.248C>T, p.Pro83Leu (NM_001286104.2); c.86C>T, p.Pro29Leu (NM_001286109.2); c.158C>T, p.Pro53Leu (NM_001286110.2); c.75-175C>T (NM_001286105.2); short protein forms P83L, P107L, P53L, P29L.
Identifiers: ClinVar variation 962496 (VCV000962496.4), dbSNP rs1231056238, ClinGen allele CA395346113.